The following is an entry in ClinVar:

NM_003722.5(TP63):c.1531C>A (p.Pro511Thr)

Gene: TP63 (tumor protein p63; plus strand). Cytogenetic location: 3q28.
Variant type: single nucleotide variant.
Coding change: c.1531C>A on transcript NM_003722.5 (MANE Select); coding-DNA position 1531, C replaced by A.
Protein change: p.Pro511Thr; replaces proline 511 with threonine.
Molecular consequence: missense variant. On other transcripts: intron variant (4).
Genome position (GRCh38, 1-based): chr3:189,889,363, C>A. VCF-style: chr3-189889363-C-A. GRCh37 (hg19) VCF-style: chr3-189607152-C-A.
Other names: c.1531C>A, p.Pro511Thr (NM_001114978.2); c.1249C>A, p.Pro417Thr (NM_001114980.2, NM_001114981.2); c.994C>A, p.Pro332Thr (NM_001329146.2); c.1519C>A, p.Pro507Thr (NM_001329148.2); c.1525C>A, p.Pro509Thr (NM_001329964.2); c.1507+2812C>A (NM_001329144.2); c.1225+2812C>A (NM_001329145.2); c.1213+2812C>A (NM_001329149.2); and 1 more; short protein forms P511T, P507T, P509T, P332T, P417T.
Identifiers: ClinVar variation 286990 (VCV000286990.54), dbSNP rs148076109, ClinGen allele CA2752518.

ClinVar aggregate classification (germline): Benign/Likely benign. Review status: criteria provided, multiple submitters, no conflicts (2 of 4 stars). 13 submissions from 11 submitters: Benign (4); Likely benign (6). 3 of the submissions do not count toward it. Last evaluated 2026-08-01.

Conditions:
TP63-Related Spectrum Disorders.
Ectrodactyly, ectodermal dysplasia, and cleft lip-palate syndrome 3. Also called: Ectrodactyly, Ectodermal Dysplasia, Cleft Lip/Palate Syndrome 3 (EEC3); Ectrodactyly, Ectodermal Dysplasia, Clefting Syndrome Type 3 (EEC3); EEC SYNDROME 3; Ectrodactyly, Ectodermal Dysplasia, Clefting Syndrome. Identifiers: Orphanet 1896, MedGen C1858562, MONDO:0011428, OMIM 604292.
Orofacial cleft 8. Also called: Cleft lip with or without cleft palate, nonsyndromic, 8. Identifiers: MedGen C1851878, MONDO:0029145, OMIM 618149.
ADULT syndrome. Also called: Acro-Dermo-Ungual-Lacrimal-Tooth Syndrome (ADULT Syndrome); ACRO-DERMATO-UNGUAL-LACRIMAL-TOOTH SYNDROME; Acro-dermato-ungual-lacrimal-tooth (adult) syndrome. Identifiers: Orphanet 978, MedGen C1863204, MONDO:0007072, OMIM 103285.
Rapp-Hodgkin syndrome (RHS). Also called: Rapp-Hodgkin ectodermal dysplasia syndrome; Isolated Cleft Lip/Cleft Palate (Orofacial Cleft 8); ECTODERMAL DYSPLASIA, ANHIDROTIC, WITH CLEFT LIP/PALATE. Identifiers: MedGen C1785148, MONDO:0007508, OMIM 129400.
Limb-mammary syndrome (LMS). Also called: Mammary hypoplasia, ectrodactyly, and other hand/foot anomalies. Identifiers: Orphanet 69085, MedGen C1863753, MONDO:0011334, OMIM 603543.
Ankyloblepharon-ectodermal defects-cleft lip/palate syndrome. Also called: Hay-Wells syndrome of ectodermal dysplasia; AEC SYNDROME; Ankyloblepharon-Ectodermal Defects-Cleft Lip/Palate Syndrome (AEC Syndrome); HAY-WELLS SYNDROME; Ankyloblepharon-ectodermal defects, cleft lip/palate. Identifiers: Orphanet 1071, MedGen C0406709, MONDO:0007124, OMIM 106260.
Split hand-foot malformation 4. Also called: Split-Hand/Foot Malformation Type 4 (SHFM4); Split-Hand/Foot Malformation Type 4 (SHFM4 syndrome). Identifiers: Orphanet 2440, MedGen C1854442, MONDO:0011535, OMIM 605289.

Allele frequency attached by ClinVar (database versions not stated): 1000 Genomes Project 0.00260; 1000 Genomes Project 30x 0.00265; ExAC 0.00286; ESP Exome Variant Server 0.00292; gnomAD 0.00295 and 0.00301; gnomAD exomes 0.00306 and 0.00332; TOPMed 0.00376.
gnomAD v4.1: 5,353 of 1,614,168 alleles (0.33%); highest among the groups gnomAD compares: Middle Eastern, 2%; 19 homozygotes.

Submissions (13):

CeGaT Center for Human Genetics Tuebingen
Classification: Benign. Last evaluated: 2026-08-01. Review status: criteria provided, single submitter. Criteria: CeGaT Center For Human Genetics Tuebingen Variant Classification Criteria Version 2. Collection method: clinical testing. Allele origin: germline. Affected: yes. Observed: 12 variant alleles.
Comment: TP63: BS1, BS2

Labcorp Genetics (formerly Invitae), Labcorp
Classification: Likely benign. Last evaluated: 2025-02-03. Review status: criteria provided, single submitter. Criteria: Invitae Variant Classification Sherloc (09022015). Collection method: clinical testing. Allele origin: germline.

Blueprint Genetics
Classification: Likely benign. Last evaluated: 2024-11-21. Review status: criteria provided, single submitter. Criteria: ACMG Guidelines, 2015. Collection method: clinical testing. Allele origin: germline.

Fulgent Genetics
Classification: Likely benign for ADULT syndrome; Ankyloblepharon-ectodermal defects-cleft lip/palate syndrome; Rapp-Hodgkin syndrome; Limb-mammary syndrome; Ectrodactyly, ectodermal dysplasia, and cleft lip-palate syndrome 3; Split hand-foot malformation 4; Orofacial cleft 8. Last evaluated: 2021-11-03. Review status: criteria provided, single submitter. Criteria: ACMG Guidelines, 2015. Collection method: clinical testing. Allele origin: unknown.

GeneDx
Classification: Benign. Last evaluated: 2021-03-29. Review status: criteria provided, single submitter. Criteria: GeneDx Variant Classification Process June 2021. Collection method: clinical testing. Allele origin: germline. Affected: yes.
Comment: This variant is associated with the following publications: (PMID: 12037717, 16691622)

Illumina Laboratory Services, Illumina
Classification: Likely benign for Orofacial cleft 8. Last evaluated: 2018-01-13. Review status: criteria provided, single submitter. Criteria: ICSL Variant Classification Criteria 13 December 2019. Collection method: clinical testing. Allele origin: germline.
Comment: This variant was observed in the ICSL laboratory as part of a predisposition screen in an ostensibly healthy population. It had not been previously curated by ICSL or reported in the Human Gene Mutation Database (HGMD: prior to June 1st, 2018), and was therefore a candidate for classification through an automated scoring system. Utilizing variant allele frequency, disease prevalence and penetrance estimates, and inheritance mode, an automated score was calculated to assess if this variant is too frequent to cause the disease. Based on the score and internal cut-off values, a variant classified as likely benign is not then subjected to further curation. The score for this variant resulted in a classification of likely benign for this disease.

Illumina Laboratory Services, Illumina
Classification: Benign for Ectrodactyly, ectodermal dysplasia, and cleft lip-palate syndrome 3. Last evaluated: 2018-01-13. Review status: criteria provided, single submitter. Criteria: ICSL Variant Classification Criteria 13 December 2019. Collection method: clinical testing. Allele origin: germline.
Comment: This variant was observed in the ICSL laboratory as part of a predisposition screen in an ostensibly healthy population. It had not been previously curated by ICSL or reported in the Human Gene Mutation Database (HGMD: prior to June 1st, 2018), and was therefore a candidate for classification through an automated scoring system. Utilizing variant allele frequency, disease prevalence and penetrance estimates, and inheritance mode, an automated score was calculated to assess if this variant is too frequent to cause the disease. Based on the score and internal cut-off values, a variant classified as benign is not then subjected to further curation. The score for this variant resulted in a classification of benign for this disease.

Illumina Laboratory Services, Illumina
Classification: Benign for TP63-Related Spectrum Disorders. Last evaluated: 2018-01-13. Review status: criteria provided, single submitter. Criteria: ICSL Variant Classification Criteria 13 December 2019. Collection method: clinical testing. Allele origin: germline.
Comment: the same text as in the submission from Illumina Laboratory Services, Illumina above.

Eurofins Ntd Llc (ga)
Classification: Likely benign. Last evaluated: 2016-04-08. Review status: criteria provided, single submitter. Criteria: EGL Classification Definitions 2015. Collection method: clinical testing. Allele origin: germline. Observed: 1 variant allele, 1 heterozygote.

Breakthrough Genomics
Classification: Likely benign. Review status: criteria provided, single submitter. Criteria: ACMG Guidelines, 2015. Collection method: not provided. Allele origin: germline. Inheritance: Autosomal dominant inheritance. Affected: yes.

Clinical Genetics DNA and cytogenetics Diagnostics Lab, Erasmus MC, Erasmus Medical Center
Classification: Likely benign. Review status: no assertion criteria provided. Collection method: clinical testing. Allele origin: germline. Affected: yes. Study: VKGL Data-share Consensus. Not counted in ClinVar's aggregate classification.

Diagnostic Laboratory, Department of Genetics, University Medical Center Groningen
Classification: Likely benign. Review status: no assertion criteria provided. Collection method: clinical testing. Allele origin: germline. Affected: yes. Study: VKGL Data-share Consensus. Not counted in ClinVar's aggregate classification.

Laboratory of Diagnostic Genome Analysis, Leiden University Medical Center (LUMC)
Classification: Likely benign. Review status: no assertion criteria provided. Collection method: clinical testing. Allele origin: germline. Affected: yes. Study: VKGL Data-share Consensus. Not counted in ClinVar's aggregate classification.